The following is an entry in ClinVar:

ClinVar aggregate classification (germline): Uncertain significance (1 of 4 stars; one submission).

Conditions:
Bloom syndrome (BLM). Also called: Bloom-Torre-Machacek syndrome. Identifiers: Orphanet 125, MedGen C0005859, MONDO:0008876, OMIM 210900.

gnomAD v4.1: 1 of 1,612,466 alleles (0.000062%); highest among the groups gnomAD compares: East Asian, 0.0022%; no homozygotes.

Submission:

Labcorp Genetics (formerly Invitae), Labcorp
Classification: Uncertain significance for Bloom syndrome. Last evaluated: 2022-01-25. Review status: criteria provided, single submitter. Criteria: Invitae Variant Classification Sherloc (09022015). Collection method: clinical testing. Allele origin: germline.
Comment: This sequence change replaces leucine, which is neutral and non-polar, with phenylalanine, which is neutral and non-polar, at codon 1119 of the BLM protein (p.Leu1119Phe). This variant is not present in population databases (gnomAD no frequency). This variant has not been reported in the literature in individuals affected with BLM-related conditions. Algorithms developed to predict the effect of missense changes on protein structure and function are either unavailable or do not agree on the potential impact of this missense change (SIFT: "Deleterious"; PolyPhen-2: "Probably Damaging"; Align-GVGD: "Class C0"). In summary, the available evidence is currently insufficient to determine the role of this variant in disease. Therefore, it has been classified as a Variant of Uncertain Significance.

NM_000057.4(BLM):c.3357G>C (p.Leu1119Phe)

Gene: BLM (BLM RecQ like helicase; plus strand). Cytogenetic location: 15q26.1.
Variant type: single nucleotide variant.
Coding change: c.3357G>C on transcript NM_000057.4 (MANE Select); coding-DNA position 3357, G replaced by C.
Protein change: p.Leu1119Phe; replaces leucine 1119 with phenylalanine.
Molecular consequence: missense variant.
Genome position (GRCh38, 1-based): chr15:90,798,336, G>C. VCF-style: chr15-90798336-G-C. GRCh37 (hg19) VCF-style: chr15-91341566-G-C.
Other names: c.3357G>C, p.Leu1119Phe (NM_001287246.2, NM_001287247.2); c.2232G>C, p.Leu744Phe (NM_001287248.2); short protein forms L1119F, L744F.
Identifiers: ClinVar variation 2089393 (VCV002089393.1), dbSNP rs1295137195, ClinGen allele CA393847411.